The following is an entry in ClinVar:

ClinVar aggregate classification (germline): Uncertain significance (1 of 4 stars; one submission).

Conditions:
Singleton-Merten syndrome 1 (SGMRT1). Also called: Widened medullary cavities of bone, aortic calcification, abnormal dentition, and muscular weakness; Syndrome of widened medullary cavities of the metacarpals and phalanges, aortic calcification and abnormal dentition. Identifiers: Orphanet 85191, MedGen C4225427, MONDO:0024535, OMIM 182250.
Aicardi-Goutieres syndrome 7 (AGS7). Identifiers: Orphanet 51, MedGen C3888244, MONDO:0014367, OMIM 615846.

Allele frequency attached by ClinVar (database versions not stated): ESP Exome Variant Server 0.00008.
gnomAD v4.1: 2 of 1,608,618 alleles (0.00012%); highest among the groups gnomAD compares: Non-Finnish European, 0.00017%; no homozygotes.

Submission:

Labcorp Genetics (formerly Invitae), Labcorp
Classification: Uncertain significance for Aicardi-Goutieres syndrome 7; Singleton-Merten syndrome 1. Last evaluated: 2024-04-03. Review status: criteria provided, single submitter. Criteria: Invitae Variant Classification Sherloc (09022015). Collection method: clinical testing. Allele origin: germline.
Comment: This sequence change replaces proline, which is neutral and non-polar, with alanine, which is neutral and non-polar, at codon 666 of the IFIH1 protein (p.Pro666Ala). This variant is present in population databases (rs376074455, gnomAD 0.007%). This variant has not been reported in the literature in individuals affected with IFIH1-related conditions. ClinVar contains an entry for this variant (Variation ID: 1909534). Advanced modeling of protein sequence and biophysical properties (such as structural, functional, and spatial information, amino acid conservation, physicochemical variation, residue mobility, and thermodynamic stability) has been performed at Invitae for this missense variant, however the output from this modeling did not meet the statistical confidence thresholds required to predict the impact of this variant on IFIH1 protein function. In summary, the available evidence is currently insufficient to determine the role of this variant in disease. Therefore, it has been classified as a Variant of Uncertain Significance.

NM_022168.4(IFIH1):c.1996C>G (p.Pro666Ala)

Gene: IFIH1 (interferon induced with helicase C domain 1; minus strand). Cytogenetic location: 2q24.2.
Variant type: single nucleotide variant.
Coding change: c.1996C>G on transcript NM_022168.4 (MANE Select); coding-DNA position 1996, C replaced by G.
Protein change: p.Pro666Ala; replaces proline 666 with alanine.
Molecular consequence: missense variant.
Genome position (GRCh38, 1-based): chr2:162,277,463, G>C on the plus strand (C>G on the coding strand, the complement: IFIH1 is on the minus strand). VCF-style: chr2-162277463-G-C. GRCh37 (hg19) VCF-style: chr2-163133973-G-C.
Other names: short protein forms P666A.
Identifiers: ClinVar variation 1909534 (VCV001909534.5), dbSNP rs376074455, ClinGen allele CA1934336.